The following is an entry in ClinVar:

NM_002528.7(NTHL1):c.689_691del (p.Val230del)

Gene: NTHL1 (nth like DNA glycosylase 1; minus strand). Cytogenetic location: 16p13.3.
Variant type: Deletion.
Coding change: c.689_691del on transcript NM_002528.7 (MANE Select); coding-DNA positions 689 to 691, 3 bases deleted (TGG; older notation c.689_691delTGG).
Protein change: p.Val230del; deletes valine 230.
Molecular consequence: inframe deletion.
Genome position (GRCh38, 1-based): chr16:2,040,233-2,040,235, CCA deleted on the plus strand (TGG on the coding strand, the reverse complement: NTHL1 is on the minus strand); deleting any 3 consecutive bases within chr16:2,040,233-2,040,236 gives the same sequence; the c. name uses the placement nearest the transcript's 3' end. VCF-style (leftmost placement, unchanged base first): chr16-2040232-TCCA-T. GRCh37 (hg19) VCF-style: chr16-2090233-TCCA-T.
Other names: c.518_520del, p.Val173del (NM_001318193.2); c.359_361del, p.Val120del (NM_001318194.2); short protein forms V120del, V173del, V230del.
Identifiers: ClinVar variation 851941 (VCV000851941.10), dbSNP rs2084244447, ClinGen allele CA916083475.

ClinVar aggregate classification (germline): Uncertain significance (1 of 4 stars; one submission).

Submission:

Labcorp Genetics (formerly Invitae), Labcorp
Classification: Uncertain significance. Last evaluated: 2019-12-26. Review status: criteria provided, single submitter. Criteria: Invitae Variant Classification Sherloc (09022015). Collection method: clinical testing. Allele origin: germline.
Comment: In summary, the available evidence is currently insufficient to determine the role of this variant in disease. Therefore, it has been classified as a Variant of Uncertain Significance. Experimental studies and prediction algorithms are not available or were not evaluated, and the functional significance of this variant is currently unknown. This variant has not been reported in the literature in individuals with NTHL1-related conditions. This variant is not present in population databases (ExAC no frequency). This variant, c.713_715del, results in the deletion of 1 amino acid(s) of the NTHL1 protein (p.Val238del), but otherwise preserves the integrity of the reading frame.